The following is an entry in ClinVar:

ClinVar aggregate classification (germline): Likely benign (1 of 4 stars; one submission).

Submission:

GeneDx
Classification: Likely benign. Last evaluated: 2016-07-22. Review status: criteria provided, single submitter. Criteria: GeneDx Variant Classification (06012015). Collection method: clinical testing. Allele origin: germline. Affected: yes.
Comment: This variant is considered likely benign or benign based on one or more of the following criteria: it is a conservative change, it occurs at a poorly conserved position in the protein, it is predicted to be benign by multiple in silico algorithms, and/or has population frequency not consistent with disease.

NM_001267550.2(TTN):c.44319C>A (p.Val14773=)

Gene: TTN (titin; minus strand). Cytogenetic location: 2q31.2.
Variant type: single nucleotide variant.
Coding change: c.44319C>A on transcript NM_001267550.2 (MANE Select); coding-DNA position 44319, C replaced by A.
Protein change: p.Val14773=; no amino-acid change (valine 14773 retained).
Molecular consequence: synonymous variant.
Genome position (GRCh38, 1-based): chr2:178,629,406, G>T on the plus strand (C>A on the coding strand, the complement: TTN is on the minus strand). VCF-style: chr2-178629406-G-T. GRCh37 (hg19) VCF-style: chr2-179494133-G-T.
Other names: c.39396C>A, p.Val13132= (NM_001256850.1); c.17124C>A, p.Val5708= (NM_003319.4); c.36615C>A, p.Val12205= (NM_133378.4); c.17499C>A, p.Val5833= (NM_133432.3); c.17700C>A, p.Val5900= (NM_133437.4).
Identifiers: ClinVar variation 387496 (VCV000387496.1), dbSNP rs1057522804, ClinGen allele CA16603914.